The following is an entry in ClinVar:

ClinVar aggregate classification (germline): Benign/Likely benign. Review status: criteria provided, multiple submitters, no conflicts (2 of 4 stars). 7 submissions from 7 submitters: Benign (2); Likely benign (5). Last evaluated 2026-07-01.

Conditions:
Cardiovascular phenotype. Identifiers: MedGen CN230736.
DiGeorge syndrome. Also called: THIRD AND FOURTH PHARYNGEAL POUCH SYNDROME; Catch22. Identifiers: Orphanet 567, MedGen C0012236, MONDO:0008564, OMIM 188400.

Allele frequency attached by ClinVar (database versions not stated): gnomAD exomes 0.00060 and 0.00088; ESP Exome Variant Server 0.00062; TOPMed 0.00062; gnomAD 0.00063 and 0.00071; 1000 Genomes Project 30x 0.00078; ExAC 0.00091; 1000 Genomes Project 0.00100.
gnomAD v4.1: 1,018 of 1,614,204 alleles (0.063%); highest among the groups gnomAD compares: Middle Eastern, 0.35%; 2 homozygotes.

Submissions (7):

CeGaT Center for Human Genetics Tuebingen
Classification: Likely benign. Last evaluated: 2026-07-01. Review status: criteria provided, single submitter. Criteria: CeGaT Center For Human Genetics Tuebingen Variant Classification Criteria Version 2. Collection method: clinical testing. Allele origin: germline. Affected: yes. Observed: 3 variant alleles.
Comment: TBX1: BP4, BP7, BS1

Labcorp Genetics (formerly Invitae), Labcorp
Classification: Benign for DiGeorge syndrome. Last evaluated: 2026-02-01. Review status: criteria provided, single submitter. Criteria: Invitae Variant Classification Sherloc (09022015). Collection method: clinical testing. Allele origin: germline.

Athena Diagnostics
Classification: Benign. Last evaluated: 2024-12-05. Review status: criteria provided, single submitter. Criteria: Athena Diagnostics Criteria. Collection method: clinical testing. Allele origin: unknown.
Comment: The frequency of this variant in the general population is higher than would generally be expected for pathogenic variants in this gene.

Blueprint Genetics
Classification: Likely benign. Last evaluated: 2024-11-15. Review status: criteria provided, single submitter. Criteria: ACMG Guidelines, 2015. Collection method: clinical testing. Allele origin: germline.

GeneDx
Classification: Likely benign. Last evaluated: 2020-06-04. Review status: criteria provided, single submitter. Criteria: GeneDx Variant Classification Process June 2021. Collection method: clinical testing. Allele origin: germline. Affected: yes.
Comment: This variant is associated with the following publications: (PMID: 27879657)

Ambry Genetics
Classification: Likely benign for Cardiovascular phenotype. Last evaluated: 2018-03-06. Review status: criteria provided, single submitter. Criteria: Ambry Variant Classification Scheme 2023. Collection method: clinical testing. Allele origin: germline.

Breakthrough Genomics
Classification: Likely benign. Review status: criteria provided, single submitter. Criteria: ACMG Guidelines, 2015. Collection method: not provided. Allele origin: germline. Inheritance: Autosomal dominant inheritance. Affected: yes.

Literature cited by the submitters: PubMed 27879657 (cited by Athena Diagnostics).

NM_001379200.1(TBX1):c.840C>T (p.Thr280=)

Gene: TBX1 (T-box transcription factor 1; plus strand). Cytogenetic location: 22q11.21.
Variant type: single nucleotide variant.
Coding change: c.840C>T on transcript NM_001379200.1 (MANE Select); coding-DNA position 840, C replaced by T.
Protein change: p.Thr280=; no amino-acid change (threonine 280 retained).
Molecular consequence: synonymous variant.
Genome position (GRCh38, 1-based): chr22:19,765,086, C>T. VCF-style: chr22-19765086-C-T. GRCh37 (hg19) VCF-style: chr22-19752609-C-T.
Other names: c.813C>T, p.Thr271= (NM_005992.1, NM_080646.2, NM_080647.1).
Identifiers: ClinVar variation 384743 (VCV000384743.27), dbSNP rs61730282, ClinGen allele CA10102567.